The following is an entry in ClinVar:

ClinVar aggregate classification (germline): Uncertain significance (1 of 4 stars; one submission).

Submission:

GeneDx
Classification: Uncertain significance. Last evaluated: 2024-08-22. Review status: criteria provided, single submitter. Criteria: GeneDx Variant Classification Process June 2021. Collection method: clinical testing. Allele origin: germline. Affected: yes.
Comment: Not observed at significant frequency in large population cohorts (gnomAD); In silico analysis supports that this missense variant has a deleterious effect on protein structure/function; Has not been previously published as pathogenic or benign to our knowledge

NM_153700.2(STRC):c.734C>T (p.Ala245Val)

Gene: STRC (stereocilin; minus strand). Cytogenetic location: 15q15.3.
Variant type: single nucleotide variant.
Coding change: c.734C>T on transcript NM_153700.2 (MANE Select); coding-DNA position 734, C replaced by T.
Protein change: p.Ala245Val; replaces alanine 245 with valine.
Molecular consequence: missense variant.
Genome position (GRCh38, 1-based): chr15:43,617,687, G>A on the plus strand (C>T on the coding strand, the complement: STRC is on the minus strand). VCF-style: chr15-43617687-G-A. GRCh37 (hg19) VCF-style: chr15-43909885-G-A.
Other names: short protein forms A245V.
Identifiers: ClinVar variation 3764236 (VCV003764236.1).
Genomic context (GRCh38, chr15:43,617,687, plus strand): 5'-TCATCCTGCAGGGAGTGAGTGACACGGAGCAGCCCCTCCTGAAAGGCAGCATAGAGGGGG[G>A]CCCCCACTGTGCGTAGCAGACCGCCCCAAAGAGCCTCCTTGGAGCCTAGCTCCCCTGTTG-3'
Protein context (NP_714544.1, residues 235-255): LWGGLLRTVG[Ala245Val]PLYAAFQEGL